The following is an entry in ClinVar:

NM_014043.4(CHMP2B):c.90A>T (p.Arg30Ser)

Gene: CHMP2B (charged multivesicular body protein 2B; plus strand). Cytogenetic location: 3p11.2.
Variant type: single nucleotide variant.
Coding change: c.90A>T on transcript NM_014043.4 (MANE Select); coding-DNA position 90, A replaced by T.
Protein change: p.Arg30Ser; replaces arginine 30 with serine.
Molecular consequence: missense variant. On other transcripts: intron variant (1).
Genome position (GRCh38, 1-based): chr3:87,240,754, A>T. VCF-style: chr3-87240754-A-T. GRCh37 (hg19) VCF-style: chr3-87289904-A-T.
Other names: c.186A>T, p.Arg62Ser (NM_001410777.1); c.4-4960A>T (NM_001244644.2); short protein forms R30S, R62S.
Identifiers: ClinVar variation 3752478 (VCV003752478.2).

ClinVar aggregate classification (germline): Uncertain significance (1 of 4 stars; one submission).

Conditions:
Frontotemporal dementia and/or amyotrophic lateral sclerosis 7 (FTDALS7). Also called: CHMP2B-related frontotemporal dementia; Amyotrophic lateral sclerosis 17; AMYOTROPHIC LATERAL SCLEROSIS, CHMP2B-RELATED; CHMP2B-Related Frontotemporal Dementia-Amyotrophic Lateral Sclerosis. Identifiers: Orphanet 275864, Orphanet 282, Orphanet 803, MedGen C1833296, MONDO:0010936, OMIM 600795.

gnomAD v4.1: 12 of 1,613,706 alleles (0.00074%); highest among the groups gnomAD compares: Middle Eastern, 0.083%; no homozygotes.

Submission:

Labcorp Genetics (formerly Invitae), Labcorp
Classification: Uncertain significance for Frontotemporal dementia and/or amyotrophic lateral sclerosis 7. Last evaluated: 2024-03-02. Review status: criteria provided, single submitter. Criteria: Invitae Variant Classification Sherloc (09022015). Collection method: clinical testing. Allele origin: germline.
Comment: This sequence change replaces arginine, which is basic and polar, with serine, which is neutral and polar, at codon 30 of the CHMP2B protein (p.Arg30Ser). This variant is present in population databases (no rsID available, gnomAD 0.003%). This variant has not been reported in the literature in individuals affected with CHMP2B-related conditions. An algorithm developed to predict the effect of missense changes on protein structure and function (PolyPhen-2) suggests that this variant is likely to be tolerated. In summary, the available evidence is currently insufficient to determine the role of this variant in disease. Therefore, it has been classified as a Variant of Uncertain Significance.